The following is an entry in ClinVar:

NC_000017.10:g.(?_10552874)_(10558381_?)del

Gene: MYH3 (myosin heavy chain 3; minus strand). Cytogenetic location: 17p13.1.
Variant type: Deletion.
Identifiers: ClinVar variation 3243149 (VCV003243149.1).

ClinVar aggregate classification (germline): Pathogenic (1 of 4 stars; one submission).

Submission:

Labcorp Genetics (formerly Invitae), Labcorp
Classification: Pathogenic. Last evaluated: 2023-06-12. Review status: criteria provided, single submitter. Criteria: Invitae Variant Classification Sherloc (09022015). Collection method: clinical testing. Allele origin: unknown.
Comment: For these reasons, this variant has been classified as Pathogenic. This variant has not been reported in the literature in individuals affected with MYH3-related conditions. This variant is a gross deletion of the genomic region encompassing exon(s) 3-7 of the MYH3 gene, which includes the initiator codon. This deletion extends beyond the assayed region for this gene and therefore may encompass additional genes. It is expected to result in an absent or disrupted protein product. Loss-of-function variants in MYH3 are known to be pathogenic (PMID: 29805041, 30008475).

Literature cited by the submitters: PubMed 29805041; PubMed 30008475.